The following is an entry in ClinVar:

ClinVar aggregate classification (germline): Conflicting classifications of pathogenicity. Review status: criteria provided, conflicting classifications (1 of 4 stars). 10 submissions from 10 submitters: Uncertain significance (1); Likely benign (6). 3 of the submissions do not count toward it. Last evaluated 2026-02-04.

Conditions:
ERCC5-related disorder. Also called: ERCC5-related condition.
Xeroderma pigmentosum, group G (XPG). Also called: XERODERMA PIGMENTOSUM VII; XP, GROUP G; Xeroderma pigmentosum type 7; ERCC5-Related Xeroderma Pigmentosum. Identifiers: MedGen C0268141, MONDO:0010216, OMIM 278780.
Hereditary cancer-predisposing syndrome. Also called: Tumor predisposition; Neoplastic Syndromes, Hereditary; Hereditary Cancer Syndrome; Hereditary neoplastic syndrome. Identifiers: Orphanet 140162, MedGen C0027672, MeSH D009386, MONDO:0015356.
Cerebrooculofacioskeletal syndrome 3 (COFS3). Identifiers: MedGen C1851443, MONDO:0014696, OMIM 616570.

Allele frequency attached by ClinVar (database versions not stated): gnomAD exomes 0.00043 and 0.00060; ExAC 0.00058; ESP Exome Variant Server 0.00062; gnomAD 0.00108 and 0.00111; TOPMed 0.00176; 1000 Genomes Project 0.00200; 1000 Genomes Project 30x 0.00219.
gnomAD v4.1: 856 of 1,614,222 alleles (0.053%); highest among the groups gnomAD compares: Middle Eastern, 0.4%; 3 homozygotes.

Submissions (10):

Labcorp Genetics (formerly Invitae), Labcorp
Classification: Likely benign. Last evaluated: 2026-02-04. Review status: criteria provided, single submitter. Criteria: Invitae Variant Classification Sherloc (09022015). Collection method: clinical testing. Allele origin: germline.

Blueprint Genetics
Classification: Likely benign. Last evaluated: 2024-11-23. Review status: criteria provided, single submitter. Criteria: ACMG Guidelines, 2015. Collection method: clinical testing. Allele origin: germline.

GeneDx
Classification: Likely benign. Last evaluated: 2024-09-04. Review status: criteria provided, single submitter. Criteria: GeneDx Variant Classification Process June 2021. Collection method: clinical testing. Allele origin: germline.
Comment: See Variant Classification Assertion Criteria.

CeGaT Center for Human Genetics Tuebingen
Classification: Likely benign. Last evaluated: 2022-05-01. Review status: criteria provided, single submitter. Criteria: CeGaT Center For Human Genetics Tuebingen Variant Classification Criteria Version 2. Collection method: clinical testing. Allele origin: germline. Affected: yes. Observed: 1 variant allele.
Comment: ERCC5: BP4

Baylor Genetics
Classification: Uncertain significance for Cerebrooculofacioskeletal syndrome 3. Last evaluated: 2021-01-26. Review status: criteria provided, single submitter. Criteria: ACMG Guidelines, 2015. Collection method: clinical testing. Allele origin: unknown. Affected: yes. Study: CSER-TexasKidsCanSeq.
Comment: This variant was determined to be of uncertain significance according to ACMG Guidelines, 2015 [PMID:25741868].

Sema4
Classification: Likely benign for Hereditary cancer-predisposing syndrome. Last evaluated: 2020-11-25. Review status: criteria provided, single submitter. Criteria: Sema4 Curation Guidelines. Collection method: curation. Allele origin: germline.

Mendelics
Classification: Likely benign for Xeroderma pigmentosum, group G. Last evaluated: 2019-05-28. Review status: criteria provided, single submitter. Criteria: Mendelics Assertion Criteria 2017. Collection method: clinical testing. Allele origin: unknown.

PreventionGenetics, part of Exact Sciences
Classification: Likely benign for ERCC5-related condition. Last evaluated: 2022-05-16. Review status: no assertion criteria provided. Collection method: clinical testing. Allele origin: germline. Not counted in ClinVar's aggregate classification.
Comment: This variant is classified as likely benign based on ACMG/AMP sequence variant interpretation guidelines (Richards et al. 2015 PMID: 25741868, with internal and published modifications).

Clinical Genetics DNA and cytogenetics Diagnostics Lab, Erasmus MC, Erasmus Medical Center
Classification: Likely benign. Review status: no assertion criteria provided. Collection method: clinical testing. Allele origin: germline. Affected: yes. Study: VKGL Data-share Consensus. Not counted in ClinVar's aggregate classification.

Genome Diagnostics Laboratory, Amsterdam University Medical Center
Classification: Likely benign. Review status: no assertion criteria provided. Collection method: clinical testing. Allele origin: germline. Affected: yes. Study: VKGL Data-share Consensus. Not counted in ClinVar's aggregate classification.

NM_000123.4(ERCC5):c.1768G>A (p.Val590Ile)

Genes: BIVM-ERCC5 (BIVM-ERCC5 readthrough; plus strand), ERCC5 (ERCC excision repair 5, endonuclease; plus strand). Cytogenetic location: 13q33.1.
Variant type: single nucleotide variant.
Coding change: c.1768G>A on transcript NM_000123.4 (MANE Select); coding-DNA position 1768, G replaced by A.
Protein change: p.Val590Ile; replaces valine 590 with isoleucine.
Molecular consequence: missense variant.
Genome position (GRCh38, 1-based): chr13:102,862,917, G>A. VCF-style: chr13-102862917-G-A. GRCh37 (hg19) VCF-style: chr13-103515267-G-A.
Other names: c.3130G>A, p.Val1044Ile (NM_001204425.2); short protein forms V1044I, V590I.
Identifiers: ClinVar variation 802998 (VCV000802998.44), dbSNP rs4150318, ClinGen allele CA7041463.